The following is an entry in ClinVar:

NM_001003694.2(BRPF1):c.953G>A (p.Arg318His)

Gene: BRPF1 (bromodomain and PHD finger containing 1; plus strand). Cytogenetic location: 3p25.3.
Variant type: single nucleotide variant.
Coding change: c.953G>A on transcript NM_001003694.2 (MANE Select); coding-DNA position 953, G replaced by A.
Protein change: p.Arg318His; replaces arginine 318 with histidine.
Molecular consequence: missense variant. On other transcripts: non-coding transcript variant (1).
Genome position (GRCh38, 1-based): chr3:9,739,352, G>A. VCF-style: chr3-9739352-G-A. GRCh37 (hg19) VCF-style: chr3-9781036-G-A.
Other names: c.953G>A, p.Arg318His (NM_001319049.2, NM_001319050.2, NM_004634.3); c.953G>A (NM_001003694.1); short protein forms R318H.
Identifiers: ClinVar variation 445981 (VCV000445981.4), dbSNP rs1553695038, ClinGen allele CA351686043.

ClinVar aggregate classification (germline): Conflicting classifications of pathogenicity. Review status: criteria provided, conflicting classifications (1 of 4 stars). 3 submissions from 3 submitters: Likely pathogenic (1); Uncertain significance (2). Last evaluated 2025-10-24.

Conditions:
Inborn genetic diseases. Identifiers: MedGen C0950123, MeSH D030342.

Submissions (3):

Ambry Genetics
Classification: Uncertain significance for Inborn genetic diseases. Last evaluated: 2025-10-24. Review status: criteria provided, single submitter. Criteria: Ambry Variant Classification Scheme 2023. Collection method: clinical testing. Allele origin: germline.
Comment: The c.953G>A (p.R318H) alteration is located in exon 3 (coding exon 2) of the BRPF1 gene. This alteration results from a G to A substitution at nucleotide position 953, causing the arginine (R) at amino acid position 318 to be replaced by a histidine (H). This variant was not reported in population-based cohorts in the Genome Aggregation Database (gnomAD). This variant was reported in individual(s) with features consistent with BRPF1-related neurodevelopmental disorder; in at least one individual, it was determined to be de novo (Yan, 2020). This amino acid position is highly conserved in available vertebrate species. This missense alteration is located in a region that has a low rate of benign missense variation (Lek, 2016; Firth, 2009). Internal structural analysis for this variant was inconclusive (Ambry internal data). Functional studies suggest that this variant is unable to stimulate H3K23 acetylation or propionylation; however, additional evidence is needed to confirm this finding (Yan, 2020). This alteration is predicted to be deleterious by in silico analysis. Based on insufficient or conflicting evidence, the clinical significance of this alteration remains unclear.

GeneDx
Classification: Uncertain significance. Last evaluated: 2024-12-15. Review status: criteria provided, single submitter. Criteria: GeneDx Variant Classification Process June 2021. Collection method: clinical testing. Allele origin: germline. Affected: yes.
Comment: Not observed at significant frequency in large population cohorts (gnomAD); In silico analysis supports that this missense variant has a deleterious effect on protein structure/function; This variant is associated with the following publications: (PMID: 36077605, 32010779)

Center for Pediatric Genomic Medicine, Children's Mercy Hospital and Clinics
Classification: Likely pathogenic. Last evaluated: 2017-09-06. Review status: criteria provided, single submitter. Criteria: ACMG Guidelines, 2015. Collection method: clinical testing. Allele origin: de novo.

Literature cited by the submitters: PubMed 32010779 (cited by Ambry Genetics).